The following is an entry in ClinVar:

NM_000152.5(GAA):c.2482-18G>A

Gene: GAA (alpha glucosidase; plus strand). Cytogenetic location: 17q25.3.
Variant type: single nucleotide variant.
Coding change: c.2482-18G>A on transcript NM_000152.5 (MANE Select); 18 bases into the intron before coding-DNA position 2482, G replaced by A.
Molecular consequence: intron variant.
Genome position (GRCh38, 1-based): chr17:80,118,175, G>A. VCF-style: chr17-80118175-G-A. GRCh37 (hg19) VCF-style: chr17-78091974-G-A.
Other names: c.2482-18G>A (NM_001079803.3, NM_001079804.3).
Identifiers: ClinVar variation 680925 (VCV000680925.10), dbSNP rs757911622, ClinGen allele CA8815768.

ClinVar aggregate classification (germline): Likely benign. Review status: criteria provided, multiple submitters, no conflicts (2 of 4 stars). 3 submissions from 3 submitters: Likely benign (3). Last evaluated 2026-01-24.

Conditions:
Glycogen storage disease, type II (IOPD). Also called: CARDIOMEGALIA GLYCOGENICA DIFFUSA; GLYCOGENOSIS, GENERALIZED, CARDIAC FORM; GSD II; Glycogen storage disease type 2; Acid maltase deficiency disease; Aglucosidase alfa. Identifiers: Orphanet 365, MedGen C0017921, MONDO:0009290, OMIM 232300.

Allele frequency attached by ClinVar (database versions not stated): ExAC 0.00003; TOPMed 0.00006; gnomAD 0.00009 and 0.00010.
gnomAD v4.1: 42 of 1,612,366 alleles (0.0026%); highest among the groups gnomAD compares: African/African-American, 0.024%; no homozygotes.

Submissions (3):

Labcorp Genetics (formerly Invitae), Labcorp
Classification: Likely benign for Glycogen storage disease, type II. Last evaluated: 2026-01-24. Review status: criteria provided, single submitter. Criteria: Invitae Variant Classification Sherloc (09022015). Collection method: clinical testing. Allele origin: germline.

Blueprint Genetics
Classification: Likely benign. Last evaluated: 2022-07-04. Review status: criteria provided, single submitter. Criteria: ACMG Guidelines, 2015. Collection method: clinical testing. Allele origin: germline.

GeneDx
Classification: Likely benign. Last evaluated: 2018-04-05. Review status: criteria provided, single submitter. Criteria: GeneDx Variant Classification (06012015). Collection method: clinical testing. Allele origin: germline. Affected: yes.
Comment: This variant is considered likely benign or benign based on one or more of the following criteria: it is a conservative change, it occurs at a poorly conserved position in the protein, it is predicted to be benign by multiple in silico algorithms, and/or has population frequency not consistent with disease.